The following is an entry in ClinVar:

NM_005732.4(RAD50):c.2938_2942del (p.Glu979_Leu980insTer)

Gene: RAD50 (RAD50 double strand break repair protein; plus strand). Cytogenetic location: 5q31.1.
Variant type: Deletion.
Coding change: c.2938_2942del on transcript NM_005732.4 (MANE Select); coding-DNA positions 2938 to 2942, 5 bases deleted (CTTAA; older notation c.2938_2942delCTTAA).
Protein change: p.Glu979_Leu980insTer.
Molecular consequence: nonsense.
Genome position (GRCh38, 1-based): chr5:132,609,298-132,609,302, CTTAA deleted; deleting any 5 consecutive bases within chr5:132,609,296-132,609,302 gives the same sequence; the c. name uses the placement nearest the transcript's 3' end. VCF-style (leftmost placement, unchanged base first): chr5-132609295-GAACTT-G. GRCh37 (hg19) VCF-style: chr5-131944987-GAACTT-G.
Other names: c.2938_2942del (NM_005732.3); c.2938_2942delCTTAA (NM_005732.4).
Identifiers: ClinVar variation 408356 (VCV000408356.13), dbSNP rs1060501942, ClinGen allele CA16611983.

ClinVar aggregate classification (germline): Pathogenic. Review status: criteria provided, multiple submitters, no conflicts (2 of 4 stars). 3 submissions from 3 submitters: Pathogenic (3). Last evaluated 2024-03-28.

Conditions:
Hereditary cancer-predisposing syndrome. Also called: Hereditary Cancer Syndrome; Hereditary neoplastic syndrome; Neoplastic Syndromes, Hereditary; Tumor predisposition. Identifiers: Orphanet 140162, MedGen C0027672, MeSH D009386, MONDO:0015356.
Nijmegen breakage syndrome-like disorder (NBSLD). Also called: MICROCEPHALY AND SPONTANEOUS CHROMOSOME INSTABILITY WITHOUT IMMUNODEFICIENCY; NBS-LIKE DISORDER; RAD50 DEFICIENCY. Identifiers: Orphanet 240760, MedGen C2751318, MONDO:0013118, OMIM 613078.

Submissions (3):

Labcorp Genetics (formerly Invitae), Labcorp
Classification: Pathogenic for Hereditary cancer-predisposing syndrome. Last evaluated: 2024-03-28. Review status: criteria provided, single submitter. Criteria: Invitae Variant Classification Sherloc (09022015). Collection method: clinical testing. Allele origin: germline.
Comment: This sequence change creates a premature translational stop signal (p.Leu980*) in the RAD50 gene. It is expected to result in an absent or disrupted protein product. Loss-of-function variants in RAD50 are known to be pathogenic (PMID: 19409520). This variant is present in population databases (no rsID available, gnomAD 0.0009%). This variant has not been reported in the literature in individuals affected with RAD50-related conditions. ClinVar contains an entry for this variant (Variation ID: 408356). For these reasons, this variant has been classified as Pathogenic.

Ambry Genetics
Classification: Pathogenic for Hereditary cancer-predisposing syndrome. Last evaluated: 2020-04-28. Review status: criteria provided, single submitter. Criteria: Ambry Variant Classification Scheme 2023. Collection method: clinical testing. Allele origin: germline.
Comment: The c.2938_2942delCTTAA pathogenic mutation (also known as p.L980*), located in coding exon 19 of the RAD50 gene, results from a deletion of 5 nucleotides at nucleotide positions 2938 to 2942. This changes the amino acid from a leucine to a stop codon within coding exon 19. This alteration is expected to result in loss of function by premature protein truncation or nonsense-mediated mRNA decay. As such, this alteration is interpreted as a disease-causing mutation.

Neuberg Centre For Genomic Medicine, NCGM
Classification: Pathogenic for Nijmegen breakage syndrome-like disorder. Review status: criteria provided, single submitter. Criteria: ACMG Guidelines, 2015. Collection method: clinical testing. Allele origin: germline. Inheritance: Autosomal recessive inheritance. Affected: yes.
Comment: The frameshift deletion p.L980*fs in RAD50 (NM_005732.4) has been reported previously in affected individuals (Waltes R et al). It has been submitted to ClinVar as Pathogenic.The p.L980*fs variant is observed in 1/1,13,054 (0.0009%) alleles from individuals of European (Non-Finnish) background in gnomAD Exomes and is novel (not in any individuals) in 1000 Genomes. This variant is predicted to cause loss of normal protein function through protein truncation. Loss of function variants have been reported to be disease causing. For these reasons, this variant has been classified as Pathogenic.

Literature cited by the submitters: PubMed 19409520 (cited by Labcorp Genetics (formerly Invitae), Labcorp).